The following is an entry in ClinVar:

ClinVar aggregate classification (germline): Benign/Likely benign. Review status: criteria provided, multiple submitters, no conflicts (2 of 4 stars). 2 submissions from 2 submitters: Benign (1); Likely benign (1). Last evaluated 2022-03-17.

Submissions (2):

Labcorp Genetics (formerly Invitae), Labcorp
Classification: Benign. Last evaluated: 2022-03-17. Review status: criteria provided, single submitter. Criteria: Invitae Variant Classification Sherloc (09022015). Collection method: clinical testing. Allele origin: germline.

GeneDx
Classification: Likely benign. Last evaluated: 2018-01-02. Review status: criteria provided, single submitter. Criteria: GeneDx Variant Classification (06012015). Collection method: clinical testing. Allele origin: germline. Affected: yes.
Comment: This variant is considered likely benign or benign based on one or more of the following criteria: it is a conservative change, it occurs at a poorly conserved position in the protein, it is predicted to be benign by multiple in silico algorithms, and/or has population frequency not consistent with disease.

NM_017775.4(TTC19):c.832-13_832-10del

Gene: TTC19 (tetratricopeptide repeat domain 19; plus strand). Cytogenetic location: 17p12.
Variant type: Deletion.
Coding change: c.832-13_832-10del on transcript NM_017775.4 (MANE Select); 13 bases into the intron before coding-DNA position 832 through 10 bases into the intron before coding-DNA position 832, 4 bases deleted (CTTT; older notation c.832-13_832-10delCTTT).
Molecular consequence: intron variant.
Genome position (GRCh38, 1-based): chr17:16,026,527-16,026,530, CTTT deleted; deleting any 4 consecutive bases within chr17:16,026,524-16,026,530 gives the same sequence; the c. name uses the placement nearest the transcript's 3' end. VCF-style (leftmost placement, unchanged base first): chr17-16026523-TTTTC-T. GRCh37 (hg19) VCF-style: chr17-15929837-TTTTC-T.
Other names: c.511-13_511-10del (NM_001271420.2); c.832-13_832-10delCTTT (NM_017775.3).
Identifiers: ClinVar variation 514007 (VCV000514007.8), dbSNP rs774007482, ClinGen allele CA8407540.